The following is an entry in ClinVar:

ClinVar aggregate classification (germline): Uncertain significance. Review status: criteria provided, multiple submitters, no conflicts (2 of 4 stars). 2 submissions from 2 submitters: Uncertain significance (2). Last evaluated 2026-03-12.

Conditions:
Cardiovascular phenotype. Identifiers: MedGen CN230736.
Myofibrillar myopathy 4. Also called: Zaspopathy (type). Identifiers: Orphanet 98912, MedGen C4721886, MONDO:0012277, OMIM 609452.

Allele frequency attached by ClinVar (database versions not stated): gnomAD exomes below 0.00001.
gnomAD v4.1: 2 of 1,614,196 alleles (0.00012%); highest among the groups gnomAD compares: Non-Finnish European, 0.00017%; no homozygotes.

Submissions (2):

Ambry Genetics
Classification: Uncertain significance for Cardiovascular phenotype. Last evaluated: 2026-03-12. Review status: criteria provided, single submitter. Criteria: Ambry Variant Classification Scheme 2023. Collection method: clinical testing. Allele origin: germline.
Comment: The p.P244A variant (also known as c.730C>G), located in coding exon 5 of the LDB3 gene, results from a C to G substitution at nucleotide position 730. The proline at codon 244 is replaced by alanine, an amino acid with highly similar properties. This amino acid position is conserved. In addition, the in silico prediction for this alteration is inconclusive. Based on the available evidence, the clinical significance of this variant remains unclear.

Labcorp Genetics (formerly Invitae), Labcorp
Classification: Uncertain significance for Myofibrillar myopathy 4. Last evaluated: 2024-06-17. Review status: criteria provided, single submitter. Criteria: Invitae Variant Classification Sherloc (09022015). Collection method: clinical testing. Allele origin: germline.
Comment: This sequence change replaces proline, which is neutral and non-polar, with alanine, which is neutral and non-polar, at codon 197 of the LDB3 protein (p.Pro197Ala). This variant is not present in population databases (gnomAD no frequency). This variant has not been reported in the literature in individuals affected with LDB3-related conditions. ClinVar contains an entry for this variant (Variation ID: 1057115). An algorithm developed to predict the effect of missense changes on protein structure and function (PolyPhen-2) suggests that this variant is likely to be disruptive. In summary, the available evidence is currently insufficient to determine the role of this variant in disease. Therefore, it has been classified as a Variant of Uncertain Significance.

NM_007078.3(LDB3):c.730C>G (p.Pro244Ala)

Gene: LDB3 (LIM domain binding 3; plus strand). Cytogenetic location: 10q23.2.
Variant type: single nucleotide variant.
Coding change: c.730C>G on transcript NM_007078.3 (MANE Select); coding-DNA position 730, C replaced by G.
Protein change: p.Pro244Ala; replaces proline 244 with alanine.
Molecular consequence: missense variant.
Genome position (GRCh38, 1-based): chr10:86,691,936, C>G. VCF-style: chr10-86691936-C-G. GRCh37 (hg19) VCF-style: chr10-88451693-C-G.
Other names: c.730C>G (NM_007078.2); c.589C>G, p.Pro197Ala (NM_001080114.2, NM_001080116.1, NM_001368066.1 and 2 more transcripts); c.730C>G, p.Pro244Ala (NM_001080115.2, NM_001368063.1, NM_001368064.1 and 1 more transcripts); c.934C>G, p.Pro312Ala (NM_001171610.2, NM_001171611.2); short protein forms P197A, P244A, P312A.
Identifiers: ClinVar variation 1057115 (VCV001057115.12), dbSNP rs1205511323, ClinGen allele CA377442926.
Genomic context (GRCh38, chr10:86,691,936, plus strand): 5'-GGCCTCTCTCTGCATTACAGGAGCCTCCCTATTAAGGACCTTGCCGTAGACAGCGCCTCT[C>G]CCGTCTACCAGGCTGTGATTAAGAGCCAGAACAAGCCAGAAGATGAGGCTGACGAGTGGG-3'
Protein context (NP_009009.1, residues 234-254): IKDLAVDSAS[Pro244Ala]VYQAVIKSQN